The following is an entry in ClinVar:

ClinVar aggregate classification (germline): Likely pathogenic. Review status: criteria provided, single submitter (1 of 4 stars). 2 submissions from 2 submitters: Likely pathogenic (1). 1 of the submissions does not count toward it. Last evaluated 2024-10-04.

Conditions:
Epidermolysis bullosa, junctional 6, with pyloric atresia. Also called: ITGA6-Related Epidermolysis Bullosa with Pyloric Atresia. Identifiers: MedGen C5676957, MONDO:0859233, OMIM 619817.
Epidermolysis bullosa. Identifiers: MedGen C0014527, MeSH D004820, MONDO:0006541.

Allele frequency attached by ClinVar (database versions not stated): gnomAD exomes below 0.00001.
gnomAD v4.1: 1 of 1,607,020 alleles (0.000062%); highest among the groups gnomAD compares: East Asian, 0.0023%; no homozygotes.

Submissions (2):

Dubai Health Genomic Medicine Center, Dubai Health
Classification: Likely pathogenic for Epidermolysis bullosa. Last evaluated: 2024-10-04. Review status: criteria provided, single submitter. Criteria: ACMG Guidelines, 2015. Collection method: research. Allele origin: germline. Affected: yes.
Comment: PS3(moderate),PM2,PP3

OMIM
Classification: Pathogenic for EPIDERMOLYSIS BULLOSA, JUNCTIONAL 6, WITH PYLORIC ATRESIA. Last evaluated: 2022-03-29. Review status: no assertion criteria provided. Collection method: literature only. Allele origin: germline. Not counted in ClinVar's aggregate classification.

Literature cited by the submitters: PubMed 14675179 (cited by OMIM).

NM_000210.4(ITGA6):c.140C>T (p.Ser47Leu)

Gene: ITGA6 (integrin subunit alpha 6; plus strand). Cytogenetic location: 2q31.1.
Variant type: single nucleotide variant.
Coding change: c.140C>T on transcript NM_000210.4 (MANE Select); coding-DNA position 140, C replaced by T.
Protein change: p.Ser47Leu; replaces serine 47 with leucine.
Molecular consequence: missense variant. On other transcripts: intron variant (1).
Genome position (GRCh38, 1-based): chr2:172,427,928, C>T. VCF-style: chr2-172427928-C-T. GRCh37 (hg19) VCF-style: chr2-173292656-C-T.
Other names: S47L; c.140C>T, p.Ser47Leu (NM_001079818.3, NM_001365529.2, NM_001365530.2 and 1 more transcripts); c.-161+458C>T (NM_001316306.2).
Identifiers: ClinVar variation 1526406 (VCV001526406.2), dbSNP rs1377038208, ClinGen allele CA349291454.